The following is an entry in ClinVar:

ClinVar aggregate classification (germline): Uncertain significance (1 of 4 stars; one submission).

Conditions:
Brody myopathy. Also called: BRODY DISEASE. Identifiers: Orphanet 53347, MedGen C1832918, MONDO:0010977, OMIM 601003.

Allele frequency attached by ClinVar (database versions not stated): gnomAD 0.00001; gnomAD exomes 0.00001; TOPMed 0.00001.
gnomAD v4.1: 17 of 1,614,048 alleles (0.0011%); highest among the groups gnomAD compares: Non-Finnish European, 0.0014%; no homozygotes.

Submission:

Labcorp Genetics (formerly Invitae), Labcorp
Classification: Uncertain significance for Brody myopathy. Last evaluated: 2022-10-03. Review status: criteria provided, single submitter. Criteria: Invitae Variant Classification Sherloc (09022015). Collection method: clinical testing. Allele origin: germline.
Comment: This sequence change replaces alanine, which is neutral and non-polar, with threonine, which is neutral and polar, at codon 112 of the ATP2A1 protein (p.Ala112Thr). This variant is present in population databases (no rsID available, gnomAD 0.01%). In summary, the available evidence is currently insufficient to determine the role of this variant in disease. Therefore, it has been classified as a Variant of Uncertain Significance. Algorithms developed to predict the effect of missense changes on protein structure and function are either unavailable or do not agree on the potential impact of this missense change (SIFT: "Deleterious"; PolyPhen-2: "Benign"; Align-GVGD: "Class C0"). ClinVar contains an entry for this variant (Variation ID: 1056496). This variant has not been reported in the literature in individuals affected with ATP2A1-related conditions.

NM_004320.6(ATP2A1):c.334G>A (p.Ala112Thr)

Gene: ATP2A1 (ATPase sarcoplasmic/endoplasmic reticulum Ca2+ transporting 1; plus strand). Cytogenetic location: 16p11.2.
Variant type: single nucleotide variant.
Coding change: c.334G>A on transcript NM_004320.6 (MANE Select); coding-DNA position 334, G replaced by A.
Protein change: p.Ala112Thr; replaces alanine 112 with threonine.
Molecular consequence: missense variant. On other transcripts: 5 prime UTR variant (1).
Genome position (GRCh38, 1-based): chr16:28,882,460, G>A. VCF-style: chr16-28882460-G-A. GRCh37 (hg19) VCF-style: chr16-28893781-G-A.
Other names: c.-42G>A (NM_001286075.2); c.334G>A, p.Ala112Thr (NM_173201.5); short protein forms A112T.
Identifiers: ClinVar variation 1056496 (VCV001056496.7), dbSNP rs1349217249, ClinGen allele CA395401039.